The following is an entry in ClinVar:

NM_003573.2(LTBP4):c.154A>T (p.Asn52Tyr)

Gene: LTBP4 (latent transforming growth factor beta binding protein 4; plus strand). Cytogenetic location: 19q13.2.
Variant type: single nucleotide variant.
Coding change: c.154A>T on transcript NM_003573.2; coding-DNA position 154, A replaced by T.
Protein change: p.Asn52Tyr; replaces asparagine 52 with tyrosine.
Molecular consequence: missense variant.
Genome position (GRCh38, 1-based): chr19:40,599,480, A>T. VCF-style: chr19-40599480-A-T. GRCh37 (hg19) VCF-style: chr19-41105386-A-T.
Other names: c.265A>T, p.Asn89Tyr (NM_001042544.1); short protein forms N52Y, N89Y.
Identifiers: ClinVar variation 1960014 (VCV001960014.4), dbSNP rs1287866483, ClinGen allele CA405929830.

ClinVar aggregate classification (germline): Uncertain significance (1 of 4 stars; one submission).

gnomAD v4.1: 12 of 1,613,798 alleles (0.00074%); highest among the groups gnomAD compares: Non-Finnish European, 0.001%; no homozygotes.

Submission:

Labcorp Genetics (formerly Invitae), Labcorp
Classification: Uncertain significance. Last evaluated: 2022-11-01. Review status: criteria provided, single submitter. Criteria: Invitae Variant Classification Sherloc (09022015). Collection method: clinical testing. Allele origin: germline.
Comment: This sequence change replaces asparagine, which is neutral and polar, with tyrosine, which is neutral and polar, at codon 52 of the LTBP4 protein (p.Asn52Tyr). This variant is present in population databases (no rsID available, gnomAD 0.003%). This variant has not been reported in the literature in individuals affected with LTBP4-related conditions. Experimental studies and prediction algorithms are not available or were not evaluated, and the functional significance of this variant is currently unknown. In summary, the available evidence is currently insufficient to determine the role of this variant in disease. Therefore, it has been classified as a Variant of Uncertain Significance.